The following is an entry in ClinVar:

ClinVar aggregate classification (germline): Pathogenic (1 of 4 stars; one submission).

Conditions:
Neurofibromatosis, type 1 (NF1). Also called: VON RECKLINGHAUSEN DISEASE; NEUROFIBROMATOSIS, TYPE I, SOMATIC; Peripheral type neurofibromatosis; Neurofibromatosis, type I. Identifiers: Orphanet 636, MedGen C0027831, MONDO:0018975, OMIM 162200. Disease mechanism: loss of function.

Submission:

Labcorp Genetics (formerly Invitae), Labcorp
Classification: Pathogenic for Neurofibromatosis, type 1. Last evaluated: 2024-02-16. Review status: criteria provided, single submitter. Criteria: Invitae Variant Classification Sherloc (09022015). Collection method: clinical testing. Allele origin: germline.
Comment: This sequence change affects a splice site in intron 41 of the NF1 gene. It is expected to disrupt RNA splicing. Variants that disrupt the donor or acceptor splice site typically lead to a loss of protein function (PMID: 16199547), and loss-of-function variants in NF1 are known to be pathogenic (PMID: 10712197, 23913538). This variant is not present in population databases (gnomAD no frequency). Disruption of this splice site has been observed in individual(s) with neurofibromatosis (PMID: 25541118). Algorithms developed to predict the effect of sequence changes on RNA splicing suggest that this variant may disrupt the consensus splice site. For these reasons, this variant has been classified as Pathogenic.

Literature cited by the submitters: PubMed 16199547; PubMed 10712197; PubMed 23913538; PubMed 25541118.

NM_001042492.3(NF1):c.6427+1del

Gene: NF1 (neurofibromin 1; plus strand). Cytogenetic location: 17q11.2.
Variant type: Deletion.
Coding change: c.6427+1del on transcript NM_001042492.3 (MANE Select); the canonical splice donor site of the intron after coding-DNA position 6427, one base deleted (G; older notation c.6427+1delG).
Molecular consequence: splice donor variant.
Genome position (GRCh38, 1-based): chr17:31,336,915, G deleted; the last of 2 consecutive G bases (chr17:31,336,914-31,336,915); deleting either gives the same sequence. VCF-style (leftmost placement, unchanged base first): chr17-31336913-TG-T. GRCh37 (hg19) VCF-style: chr17-29663931-TG-T.
Other names: c.6364+1del (NM_000267.4).
Identifiers: ClinVar variation 3722690 (VCV003722690.2).